The following is an entry in ClinVar:

ClinVar aggregate classification (germline): Uncertain significance. Review status: criteria provided, multiple submitters, no conflicts (2 of 4 stars). 3 submissions from 3 submitters: Uncertain significance (3). Last evaluated 2026-01-12.

Conditions:
Immunodeficiency 39 (IMD39). Identifiers: Orphanet 574918, MedGen C4225358, MONDO:0014597, OMIM 616345.

Allele frequency attached by ClinVar (database versions not stated): ExAC 0.00004; gnomAD exomes 0.00005; gnomAD 0.00008 and 0.00009; TOPMed 0.00011; 1000 Genomes Project 30x 0.00016; 1000 Genomes Project 0.00020.
gnomAD v4.1: 136 of 1,612,960 alleles (0.0084%); highest among the groups gnomAD compares: Non-Finnish European, 0.01%; no homozygotes.

Submissions (3):

Labcorp Genetics (formerly Invitae), Labcorp
Classification: Uncertain significance for Immunodeficiency 39. Last evaluated: 2026-01-12. Review status: criteria provided, single submitter. Criteria: Invitae Variant Classification Sherloc (09022015). Collection method: clinical testing. Allele origin: germline.
Comment: This sequence change replaces arginine, which is basic and polar, with glutamine, which is neutral and polar, at codon 431 of the IRF7 protein (p.Arg431Gln). This variant is present in population databases (rs142523418, gnomAD 0.008%). This variant has not been reported in the literature in individuals affected with IRF7-related conditions. ClinVar contains an entry for this variant (Variation ID: 1053300). Invitae Evidence Modeling of protein sequence and biophysical properties (such as structural, functional, and spatial information, amino acid conservation, physicochemical variation, residue mobility, and thermodynamic stability) indicates that this missense variant is not expected to disrupt IRF7 protein function with a negative predictive value of 80%. In summary, the available evidence is currently insufficient to determine the role of this variant in disease. Therefore, it has been classified as a Variant of Uncertain Significance.

Blueprint Genetics
Classification: Uncertain significance. Last evaluated: 2024-10-03. Review status: criteria provided, single submitter. Criteria: ACMG Guidelines, 2015. Collection method: clinical testing. Allele origin: germline.

Ambry Genetics
Classification: Uncertain significance. Last evaluated: 2024-01-04. Review status: criteria provided, single submitter. Criteria: Ambry Variant Classification Scheme 2023. Collection method: clinical testing. Allele origin: germline.

NM_001572.5(IRF7):c.1253G>A (p.Arg418Gln)

Gene: IRF7 (interferon regulatory factor 7; minus strand). Cytogenetic location: 11p15.5.
Variant type: single nucleotide variant.
Coding change: c.1253G>A on transcript NM_001572.5 (MANE Select); coding-DNA position 1253, G replaced by A.
Protein change: p.Arg418Gln; replaces arginine 418 with glutamine.
Molecular consequence: missense variant.
Genome position (GRCh38, 1-based): chr11:613,102, C>T on the plus strand (G>A on the coding strand, the complement: IRF7 is on the minus strand). VCF-style: chr11-613102-C-T. GRCh37 (hg19) VCF-style: chr11-613102-C-T.
Other names: c.1292G>A (NM_004031.2); c.1166G>A, p.Arg389Gln (NM_004029.4); c.1292G>A, p.Arg431Gln (NM_004031.4); short protein forms R389Q, R418Q, R431Q.
Identifiers: ClinVar variation 1053300 (VCV001053300.9), dbSNP rs142523418, ClinGen allele CA5783519.